The following is an entry in ClinVar:

ClinVar aggregate classification (germline): Uncertain significance. Review status: criteria provided, multiple submitters, no conflicts (2 of 4 stars). 5 submissions from 5 submitters: Uncertain significance (5). Last evaluated 2025-12-01.

Conditions:
COL4A5-related disorder. Also called: COL4A5-related condition.
X-linked Alport syndrome (ATS1). Also called: NEPHROPATHY AND DEAFNESS, X-LINKED; COL4A5-Related Nephropathy. Identifiers: Orphanet 63, Orphanet 88917, MedGen C4746986, MONDO:0010520, OMIM 301050.

Allele frequency attached by ClinVar (database versions not stated): TOPMed below 0.00001; gnomAD exomes 0.00001.
gnomAD v4.1: 9 of 1,206,724 alleles (0.00075%); highest among the groups gnomAD compares: South Asian, 0.007%; no homozygotes.

Submissions (5):

Labcorp Genetics (formerly Invitae), Labcorp
Classification: Uncertain significance. Last evaluated: 2025-12-01. Review status: criteria provided, single submitter. Criteria: Invitae Variant Classification Sherloc (09022015). Collection method: clinical testing. Allele origin: germline.
Comment: This sequence change replaces proline, which is neutral and non-polar, with leucine, which is neutral and non-polar, at codon 71 of the COL4A5 protein (p.Pro71Leu). This variant is not present in population databases (gnomAD no frequency). This variant has not been reported in the literature in individuals affected with COL4A5-related conditions. ClinVar contains an entry for this variant (Variation ID: 1299615). Invitae Evidence Modeling of protein sequence and biophysical properties (such as structural, functional, and spatial information, amino acid conservation, physicochemical variation, residue mobility, and thermodynamic stability) has been performed for this missense variant. However, the output from this modeling did not meet the statistical confidence thresholds required to predict the impact of this variant on COL4A5 protein function. In summary, the available evidence is currently insufficient to determine the role of this variant in disease. Therefore, it has been classified as a Variant of Uncertain Significance.

PreventionGenetics, part of Exact Sciences
Classification: Uncertain significance for COL4A5-related condition. Last evaluated: 2024-12-10. Review status: criteria provided, single submitter. Criteria: ACMG Guidelines, 2015. Collection method: clinical testing. Allele origin: germline.
Comment: The COL4A5 c.212C>T variant is predicted to result in the amino acid substitution p.Pro71Leu. To our knowledge, this variant has not been reported in the literature or in a large population database (gnomAD), indicating this variant is rare. At this time, the clinical significance of this variant is uncertain due to the absence of conclusive functional and genetic evidence.

GeneDx
Classification: Uncertain significance. Last evaluated: 2024-03-05. Review status: criteria provided, single submitter. Criteria: GeneDx Variant Classification Process June 2021. Collection method: clinical testing. Allele origin: germline. Affected: yes.
Comment: Not observed at significant frequency in large population cohorts (gnomAD); In silico analysis supports that this missense variant has a deleterious effect on protein structure/function; Has not been previously published as pathogenic or benign to our knowledge

Laboratory of Medical Genetics, National & Kapodistrian University of Athens
Classification: Uncertain significance for X-linked Alport syndrome. Last evaluated: 2021-10-06. Review status: criteria provided, single submitter. Criteria: ACMG Guidelines, 2015. Collection method: clinical testing. Allele origin: unknown.
Comment: PM2, PP2, PP3

ARUP Laboratories, Molecular Genetics and Genomics, ARUP Laboratories
Classification: Uncertain significance for X-linked Alport syndrome. Last evaluated: 2021-01-26. Review status: criteria provided, single submitter. Criteria: ARUP Molecular Germline Variant Investigation Process 2021. Collection method: clinical testing. Allele origin: germline.
Comment: The COL4A5 c.212C>T; p.Pro71Leu variant, to our knowledge, is not reported in the medical literature or gene specific databases. This variant is absent from general population databases (Exome Variant Server, Genome Aggregation Database), indicating it is not a common polymorphism. The proline at codon 71 is moderately conserved, and computational analyses are uncertain whether this variant is neutral or deleterious (REVEL: 0.671). However, given the lack of clinical and functional data, the significance of the p.Pro71Leu variant is uncertain at this time.

NM_033380.3(COL4A5):c.212C>T (p.Pro71Leu)

Gene: COL4A5 (collagen type IV alpha 5 chain; plus strand). Cytogenetic location: Xq22.3.
Variant type: single nucleotide variant.
Coding change: c.212C>T on transcript NM_033380.3 (MANE Select); coding-DNA position 212, C replaced by T.
Protein change: p.Pro71Leu; replaces proline 71 with leucine.
Molecular consequence: missense variant.
Genome position (GRCh38, 1-based): chrX:108,559,134, C>T. VCF-style: chrX-108559134-C-T. GRCh37 (hg19) VCF-style: chrX-107802364-C-T.
Other names: c.212C>T (NM_033380.1, NM_000495.4); c.212C>T, p.Pro71Leu (NM_000495.5); short protein forms P71L.
Identifiers: ClinVar variation 1299615 (VCV001299615.12), dbSNP rs2065868609, ClinGen allele CA413914785.
Genomic context (GRCh38, chrX:108,559,134, plus strand): 5'-GGTTTCCAGGTTTGGAAGGACACCCAGGATTGCCTGGATTTCCAGGTCCAGAAGGGCCTC[C>T]GGGGCCTCGGGGACAAAAGGTATGTATCATGTTGCCAACCAGTAATGCCAGATGAATTAA-3'
Protein context (NP_203699.1, residues 61-81): LPGFPGPEGP[Pro71Leu]GPRGQKGDDG